The following is an entry in ClinVar:

ClinVar aggregate classification (germline): Conflicting classifications of pathogenicity. Review status: criteria provided, conflicting classifications (1 of 4 stars). 2 submissions from 2 submitters: Uncertain significance (1); Likely benign (1). Last evaluated 2025-06-23.

Conditions:
Inborn genetic diseases. Identifiers: MedGen C0950123, MeSH D030342.
Acute myeloid leukemia (AML). Also called: Leukemia, acute myeloid, somatic; Leukemia, acute myelogenous, somatic; Acute myeloid leukemia, adult; AML adult; Acute non-lymphocytic leukemia; Acute granulocytic leukemia. Identifiers: Orphanet 519, MedGen C0023467, MeSH D015470, MONDO:0018874, OMIM 601626, HP:0004808. Disease mechanism: Constitutively activated FLT3.

Submissions (2):

Ambry Genetics
Classification: Uncertain significance for Inborn genetic diseases. Last evaluated: 2025-06-23. Review status: criteria provided, single submitter. Criteria: Ambry Variant Classification Scheme 2023. Collection method: clinical testing. Allele origin: germline.
Comment: The c.861_862delGCinsAA variant (also known as p.R288R), located in coding exon 1 of the CEBPA gene, results from an in-frame deletion of GC and insertion of AA at nucleotide positions 861 to 862. This result does not change the amino acid at codon 288. This nucleotide region is not well conserved in available vertebrate species. In silico splice site analysis for this alteration is inconclusive. Based on the available evidence, the clinical significance of this variant remains unclear.

Labcorp Genetics (formerly Invitae), Labcorp
Classification: Likely benign for Acute myeloid leukemia. Last evaluated: 2024-11-07. Review status: criteria provided, single submitter. Criteria: Invitae Variant Classification Sherloc (09022015). Collection method: clinical testing. Allele origin: germline.

NM_004364.5(CEBPA):c.861_862delinsAA (p.Val287_Arg288=)

Gene: CEBPA (CCAAT enhancer binding protein alpha; minus strand). Cytogenetic location: 19q13.11.
Variant type: Indel.
Coding change: c.861_862delinsAA on transcript NM_004364.5 (MANE Select); coding-DNA positions 861 to 862, GC replaced by AA.
Protein change: p.Val287_Arg288=.
Molecular consequence: synonymous variant.
Genome position (GRCh38, 1-based): chr19:33,301,553-33,301,554, GC replaced by TT on the plus strand (GC replaced by AA on the coding strand, the reverse complement: CEBPA is on the minus strand). VCF-style: chr19-33301553-GC-TT. GRCh37 (hg19) VCF-style: chr19-33792459-GC-TT.
Other names: c.504_505delinsAA, p.Val168_Arg169= (NM_001285829.2); c.966_967delinsAA, p.Val322_Arg323= (NM_001287424.2); c.819_820delinsAA, p.Val273_Arg274= (NM_001287435.2).
Identifiers: ClinVar variation 757167 (VCV000757167.12), dbSNP rs1600021341, ClinGen allele CA915952994.